The following is an entry in ClinVar:

NM_002529.4(NTRK1):c.2206-208T>G

Gene: NTRK1 (neurotrophic receptor tyrosine kinase 1; plus strand). Cytogenetic location: 1q23.1.
Variant type: single nucleotide variant.
Coding change: c.2206-208T>G on transcript NM_002529.4 (MANE Select); 208 bases into the intron before coding-DNA position 2206, T replaced by G.
Molecular consequence: intron variant.
Genome position (GRCh38, 1-based): chr1:156,881,249, T>G. VCF-style: chr1-156881249-T-G. GRCh37 (hg19) VCF-style: chr1-156851041-T-G.
Other names: c.2098-208T>G (NM_001007792.1); c.2188-208T>G (NM_001012331.2).
Identifiers: ClinVar variation 670556 (VCV000670556.1), dbSNP rs2768758, ClinGen allele CA31125737.
Genomic context (GRCh38, chr1:156,881,249, plus strand): 5'-TCTTCTTAGGATCTGATCCCAGTTTTCTGGAAGCAATCCTACCCCAGCCCAAGCTTCCCA[T>G]AGTCGAGCCTTAATCCTTCTCACTTCTCAGTGTCAGAGCAGAAATGAATCCTGGGGTTGA-3'

ClinVar aggregate classification (germline): Benign (1 of 4 stars; one submission).

Allele frequency attached by ClinVar (database versions not stated): 1000 Genomes Project 30x 0.97392; 1000 Genomes Project 0.97744; TOPMed 0.97747; gnomAD 0.97872.
gnomAD v4.1: 149,213 of 152,300 alleles (98%); highest among the groups gnomAD compares: Middle Eastern, 100%; 73,195 homozygotes.

Submission:

GeneDx
Classification: Benign. Last evaluated: 2018-06-14. Review status: criteria provided, single submitter. Criteria: GeneDx Variant Classification (06012015). Collection method: clinical testing. Allele origin: germline. Affected: yes.
Comment: This variant is considered likely benign or benign based on one or more of the following criteria: it is a conservative change, it occurs at a poorly conserved position in the protein, it is predicted to be benign by multiple in silico algorithms, and/or has population frequency not consistent with disease.